The following is an entry in ClinVar:

NM_001318852.2(MAPK8IP3):c.1309G>A (p.Ala437Thr)

Gene: MAPK8IP3 (mitogen-activated protein kinase 8 interacting protein 3; plus strand). Cytogenetic location: 16p13.3.
Variant type: single nucleotide variant.
Coding change: c.1309G>A on transcript NM_001318852.2 (MANE Select); coding-DNA position 1309, G replaced by A.
Protein change: p.Ala437Thr; replaces alanine 437 with threonine.
Molecular consequence: missense variant.
Genome position (GRCh38, 1-based): chr16:1,760,384, G>A. VCF-style: chr16-1760384-G-A. GRCh37 (hg19) VCF-style: chr16-1810385-G-A.
Other names: c.1288G>A, p.Ala430Thr (NM_001040439.2); c.1306G>A, p.Ala436Thr (NM_015133.5); short protein forms A436T, A437T, A430T.
Identifiers: ClinVar variation 4995695 (VCV004995695.1).
Genomic context (GRCh38, chr16:1,760,384, plus strand): 5'-CTTCACGTACCTGTATGCCGCGCCCGTGGCACTCCCATCTTTCTGCTTTTTCAAAGAAAC[G>A]CCTTGAATGTGGTGAAGAATGACCTGATTGCCAAGGTCGACCAGCTGTCCGGGGAGCAGG-3'
Protein context (NP_001305781.1, residues 427-447): ENSQLLETKN[Ala437Thr]LNVVKNDLIA

ClinVar aggregate classification (germline): Uncertain significance (1 of 4 stars; one submission).

Conditions:
MAPK8IP3-related disorder. Also called: MAPK8IP3-related condition.

Submission:

PreventionGenetics, part of Exact Sciences
Classification: Uncertain significance for MAPK8IP3-related condition. Last evaluated: 2025-10-31. Review status: criteria provided, single submitter. Criteria: ACMG Guidelines, 2015. Collection method: clinical testing. Allele origin: germline.
Comment: The MAPK8IP3 c.1309G>A variant is predicted to result in the amino acid substitution p.Ala437Thr. To our knowledge, this variant has not been reported in the literature or in a large population database (gnomAD), indicating this variant is rare. At this time, the clinical significance of this variant is uncertain due to the absence of conclusive functional and genetic evidence.